The following is an entry in ClinVar:

ClinVar aggregate classification (germline): Likely pathogenic (1 of 4 stars; one submission).

Conditions:
Usher syndrome type 2A. Also called: RETINAL DISEASE IN USHER SYNDROME TYPE IIA, MODIFIER OF; USHER SYNDROME, TYPE IIA. Identifiers: Orphanet 231178, Orphanet 886, MedGen C1848634, MONDO:0010169, OMIM 276901.

Submission:

Natera, Inc.
Classification: Likely pathogenic for Usher syndrome type 2A. Last evaluated: 2024-09-30. Review status: criteria provided, single submitter. Criteria: Natera Variant Classification Schema (03/2026). Collection method: clinical testing. Allele origin: germline.
Comment: The c.14333del variant in USH2A is a frameshift variant predicted to shift the reading frame beginning at codon 4778 and leads to a stop codon 28 codons downstream. This variant is expected to result in nonsense mediated decay, truncation, or a dysfunctional protein product. This variant is rare in the general population with a frequency below the threshold expected for the associated phenotype(s). Given the available evidence, this variant is classified as Likely Pathogenic.

NM_206933.4(USH2A):c.14333del (p.Ala4778fs)

Gene: USH2A (usherin; minus strand). Cytogenetic location: 1q41.
Variant type: Deletion.
Coding change: c.14333del on transcript NM_206933.4 (MANE Select); coding-DNA position 14333, one base deleted (C; older notation c.14333delC).
Protein change: p.Ala4778fs; shifts the reading frame from alanine 4778.
Molecular consequence: frameshift variant.
Genome position (GRCh38, 1-based): chr1:215,650,602, G deleted on the plus strand (C on the coding strand, the reverse complement: USH2A is on the minus strand). VCF-style (leftmost placement, unchanged base first): chr1-215650601-AG-A. GRCh37 (hg19) VCF-style: chr1-215823943-AG-A.
Other names: short protein forms A4778fs.
Identifiers: ClinVar variation 4817100 (VCV004817100.1).